The following is an entry in ClinVar:

NM_002691.4(POLD1):c.1690A>G (p.Met564Val)

Gene: POLD1 (DNA polymerase delta 1, catalytic subunit; plus strand). Cytogenetic location: 19q13.33.
Variant type: single nucleotide variant.
Coding change: c.1690A>G on transcript NM_002691.4 (MANE Select); coding-DNA position 1690, A replaced by G.
Protein change: p.Met564Val; replaces methionine 564 with valine.
Molecular consequence: missense variant. On other transcripts: non-coding transcript variant (1).
Genome position (GRCh38, 1-based): chr19:50,407,330, A>G. VCF-style: chr19-50407330-A-G. GRCh37 (hg19) VCF-style: chr19-50910587-A-G.
Other names: c.1690A>G, p.Met564Val (NM_001256849.1, NM_001308632.1); short protein forms M564V.
Identifiers: ClinVar variation 1460502 (VCV001460502.6), dbSNP rs1436876851, ClinGen allele CA406981172.

ClinVar aggregate classification (germline): Uncertain significance (1 of 4 stars; one submission).

Conditions:
POLD1-related polyposis and colorectal cancer syndrome (CRCS10). Also called: Colorectal cancer 10; COLORECTAL CANCER, SUSCEPTIBILITY TO, ON CHROMOSOME 19q; Colorectal cancer, susceptibility to, 10. Identifiers: Orphanet 220460, MedGen C2675481, MONDO:0012953, OMIM 612591.

Submission:

Labcorp Genetics (formerly Invitae), Labcorp
Classification: Uncertain significance for POLD1-related polyposis and colorectal cancer syndrome. Last evaluated: 2024-09-01. Review status: criteria provided, single submitter. Criteria: Invitae Variant Classification Sherloc (09022015). Collection method: clinical testing. Allele origin: germline.
Comment: This sequence change replaces methionine, which is neutral and non-polar, with valine, which is neutral and non-polar, at codon 564 of the POLD1 protein (p.Met564Val). This variant is not present in population databases (gnomAD no frequency). This variant has not been reported in the literature in individuals affected with POLD1-related conditions. ClinVar contains an entry for this variant (Variation ID: 1460502). Invitae Evidence Modeling of protein sequence and biophysical properties (such as structural, functional, and spatial information, amino acid conservation, physicochemical variation, residue mobility, and thermodynamic stability) indicates that this missense variant is not expected to disrupt POLD1 protein function with a negative predictive value of 80%. In summary, the available evidence is currently insufficient to determine the role of this variant in disease. Therefore, it has been classified as a Variant of Uncertain Significance.